The following is an entry in ClinVar:

ClinVar aggregate classification (germline): Conflicting classifications of pathogenicity. Review status: criteria provided, conflicting classifications (1 of 4 stars). 2 submissions from 2 submitters: Pathogenic (1); Uncertain significance (1). Last evaluated 2025-07-17.

Conditions:
Non-immune hydrops fetalis (NIHF). Also called: Idiopathic hydrops fetalis; Familial non-immune hydrops fetalis; Fetal edema. Identifiers: Orphanet 363999, MedGen C0455988, MONDO:0009369, OMIM 236750, HP:0001790.

Submissions (2):

Women's Health and Genetics/Laboratory Corporation of America, LabCorp
Classification: Uncertain significance. Last evaluated: 2025-07-17. Review status: criteria provided, single submitter. Criteria: LabCorp Variant Classification Summary - May 2015. Collection method: clinical testing. Allele origin: germline.
Comment: Variant summary: DHCR24 c.1204C>T (p.Gln402X) results in a premature termination codon, predicted to cause absence of the protein due to nonsense mediated decay, however current evidence is not sufficient to establish loss of function as a mechanism for disease. The variant was absent in 249620 control chromosomes (gnomAD). The available data on variant occurrences in the general population are insufficient to allow any conclusion about variant significance. c.1204C>T has been observed in individual(s) affected with Desmosterolosis. These data do not allow any conclusion about variant significance. To our knowledge, no experimental evidence demonstrating an impact on protein function has been reported. ClinVar contains an entry for this variant (Variation ID: 1065508). Based on the evidence outlined above, the variant was classified as uncertain significance.

Genomic Medicine Lab, University of California San Francisco
Classification: Pathogenic for Non-immune hydrops fetalis. Last evaluated: 2020-03-19. Review status: criteria provided, single submitter. Criteria: ACMG Guidelines, 2015. Collection method: clinical testing. Allele origin: paternal. Inheritance: Autosomal recessive inheritance. Affected: yes. Study: CSER-P3EGS.

Literature cited by the submitters: PubMed 33027564 (cited by Women's Health and Genetics/Laboratory Corporation of America, LabCorp); PubMed 37236975 (cited by Women's Health and Genetics/Laboratory Corporation of America, LabCorp).

NM_014762.4(DHCR24):c.1204C>T (p.Gln402Ter)

Gene: DHCR24 (24-dehydrocholesterol reductase; minus strand). Cytogenetic location: 1p32.3.
Variant type: single nucleotide variant.
Coding change: c.1204C>T on transcript NM_014762.4 (MANE Select); coding-DNA position 1204, C replaced by T.
Protein change: p.Gln402Ter; replaces glutamine 402 with a stop codon.
Molecular consequence: nonsense.
Genome position (GRCh38, 1-based): chr1:54,854,051, G>A on the plus strand (C>T on the coding strand, the complement: DHCR24 is on the minus strand). VCF-style: chr1-54854051-G-A. GRCh37 (hg19) VCF-style: chr1-55319724-G-A.
Other names: short protein forms Q402*.
Identifiers: ClinVar variation 1065508 (VCV001065508.3), dbSNP rs2101555526, ClinGen allele CA340451640.